The following is an entry in ClinVar:

NM_022464.5(SIL1):c.244+120A>G

Gene: SIL1 (SIL1 nucleotide exchange factor; minus strand). Cytogenetic location: 5q31.2.
Variant type: single nucleotide variant.
Coding change: c.244+120A>G on transcript NM_022464.5 (MANE Select); 120 bases into the intron after coding-DNA position 244, A replaced by G.
Molecular consequence: intron variant.
Genome position (GRCh38, 1-based): chr5:139,120,915, T>C on the plus strand (A>G on the coding strand, the complement: SIL1 is on the minus strand). VCF-style: chr5-139120915-T-C. GRCh37 (hg19) VCF-style: chr5-138456604-T-C.
Other names: c.244+120A>G (NM_001037633.2).
Identifiers: ClinVar variation 678408 (VCV000678408.1), dbSNP rs112184188, ClinGen allele CA128723873.

ClinVar aggregate classification (germline): Likely benign (1 of 4 stars; one submission).

Allele frequency attached by ClinVar (database versions not stated): 1000 Genomes Project 0.01078; 1000 Genomes Project 30x 0.01156; gnomAD 0.01239 and 0.01345; TOPMed 0.01406.
gnomAD v4.1: 3,363 of 1,268,480 alleles (0.27%); highest among the groups gnomAD compares: African/African-American, 4.2%; 64 homozygotes.

Submission:

GeneDx
Classification: Likely benign. Last evaluated: 2018-06-19. Review status: criteria provided, single submitter. Criteria: GeneDx Variant Classification (06012015). Collection method: clinical testing. Allele origin: germline. Affected: yes.
Comment: This variant is considered likely benign or benign based on one or more of the following criteria: it is a conservative change, it occurs at a poorly conserved position in the protein, it is predicted to be benign by multiple in silico algorithms, and/or has population frequency not consistent with disease.